The following is an entry in ClinVar:

ClinVar aggregate classification (germline): Uncertain significance (1 of 4 stars; one submission).

Conditions:
Atrial fibrillation, familial, 18 (ATFB18). Identifiers: MedGen C4310636, MONDO:0015001, OMIM 617280.

gnomAD v4.1: 1 of 1,613,752 alleles (0.000062%); highest among the groups gnomAD compares: East Asian, 0.0022%; no homozygotes.

Submission:

Juno Genomics, Hangzhou Juno Genomics, Inc
Classification: Uncertain significance for Atrial fibrillation, familial, 18. Review status: criteria provided, single submitter. Criteria: ACMG Guidelines, 2015. Collection method: clinical testing. Allele origin: germline. Affected: yes.
Comment: Absent from controls (or at extremely low frequency if recessive) in Genome Aggregation Database, Exome Sequencing Project, 1000 Genomes Project, or Exome Aggregation Consortium.;Multiple lines of computational evidence support a deleterious effect on the gene or gene product (conservation, evolutionary, splicing impact, etc).

NM_002476.2(MYL4):c.337T>G (p.Phe113Val)

Gene: MYL4 (myosin light chain 4; plus strand). Cytogenetic location: 17q21.32.
Variant type: single nucleotide variant.
Coding change: c.337T>G on transcript NM_002476.2 (MANE Select); coding-DNA position 337, T replaced by G.
Protein change: p.Phe113Val; replaces phenylalanine 113 with valine.
Molecular consequence: missense variant.
Genome position (GRCh38, 1-based): chr17:47,221,705, T>G. VCF-style: chr17-47221705-T-G. GRCh37 (hg19) VCF-style: chr17-45299071-T-G.
Other names: c.337T>G, p.Phe113Val (NM_001002841.2); short protein forms F113V.
Identifiers: ClinVar variation 3381911 (VCV003381911.2).
Genomic context (GRCh38, chr17:47,221,705, plus strand): 5'-ACATTGATTTCTCTTTCTTTACCCTGCCTGCCTGAAGAGATGAATGTCAAGATGCTGGAC[T>G]TTGAGACGTTCTTGCCCATCCTGCAGCACATTTCCCGCAACAAGGAGCAGGGCACCTATG-3'
Protein context (NP_002467.1, residues 103-123): PEEMNVKMLD[Phe113Val]ETFLPILQHI